The following is an entry in ClinVar:

NM_018129.4(PNPO):c.552G>A (p.Leu184=)

Gene: PNPO (pyridoxamine 5'-phosphate oxidase; plus strand). Cytogenetic location: 17q21.32.
Variant type: single nucleotide variant.
Coding change: c.552G>A on transcript NM_018129.4 (MANE Select); coding-DNA position 552, G replaced by A.
Protein change: p.Leu184=; no amino-acid change (leucine 184 retained).
Molecular consequence: synonymous variant.
Genome position (GRCh38, 1-based): chr17:47,946,328, G>A. VCF-style: chr17-47946328-G-A. GRCh37 (hg19) VCF-style: chr17-46023694-G-A.
Other names: p.Leu184=.
Identifiers: ClinVar variation 129983 (VCV000129983.27), dbSNP rs4378657, ClinGen allele CA154716.

ClinVar aggregate classification (germline): Benign. Review status: criteria provided, multiple submitters, no conflicts (2 of 4 stars). 8 submissions from 8 submitters: Benign (7). 1 of the submissions does not count toward it. Last evaluated 2026-02-04.

Conditions:
Inborn genetic diseases. Identifiers: MedGen C0950123, MeSH D030342.
Pyridoxal phosphate-responsive seizures (PNPOD). Also called: Pyridoxal 5'-Phosphate (PLP)-Dependent Epilepsy; Pyridoxamine 5-Prime-Phosphate Oxidase Deficiency; EPILEPTIC ENCEPHALOPATHY, NEONATAL, PNPO-RELATED; SEIZURES, PYRIDOXINE-RESISTANT, PLP-SENSITIVE; Pyridoxine-5'-phosphate oxidase deficiency. Identifiers: Orphanet 79096, MedGen C1864723, MONDO:0012407, OMIM 610090. Disease mechanism: loss of function.

Allele frequency attached by ClinVar (database versions not stated): 1000 Genomes Project 30x 0.03982; 1000 Genomes Project 0.04213; TOPMed 0.05761; gnomAD 0.06317 and 0.06365; ESP Exome Variant Server 0.06451; gnomAD exomes 0.06848 and 0.07519; ExAC 0.06974.
gnomAD v4.1: 118,836 of 1,610,284 alleles (7.4%); highest among the groups gnomAD compares: Middle Eastern, 10%; 4,933 homozygotes.

Submissions (8):

Labcorp Genetics (formerly Invitae), Labcorp
Classification: Benign for Pyridoxal phosphate-responsive seizures. Last evaluated: 2026-02-04. Review status: criteria provided, single submitter. Criteria: Invitae Variant Classification Sherloc (09022015). Collection method: clinical testing. Allele origin: germline.

Mayo Clinic Laboratories, Mayo Clinic
Classification: Benign. Last evaluated: 2018-04-10. Review status: criteria provided, single submitter. Criteria: ACMG Guidelines, 2015. Collection method: clinical testing. Allele origin: germline. Observed: 81 variant alleles.

Illumina Laboratory Services, Illumina
Classification: Benign for Pyridoxal phosphate-responsive seizures. Last evaluated: 2018-01-12. Review status: criteria provided, single submitter. Criteria: ICSL Variant Classification Criteria 13 December 2019. Collection method: clinical testing. Allele origin: germline.
Comment: This variant was observed in the ICSL laboratory as part of a predisposition screen in an ostensibly healthy population. It had not been previously curated by ICSL or reported in the Human Gene Mutation Database (HGMD: prior to June 1st, 2018), and was therefore a candidate for classification through an automated scoring system. Utilizing variant allele frequency, disease prevalence and penetrance estimates, and inheritance mode, an automated score was calculated to assess if this variant is too frequent to cause the disease. Based on the score and internal cut-off values, a variant classified as benign is not then subjected to further curation. The score for this variant resulted in a classification of benign for this disease.

Ambry Genetics
Classification: Benign for Inborn genetic diseases. Last evaluated: 2016-03-02. Review status: criteria provided, single submitter. Criteria: Ambry Variant Classification Scheme 2023. Collection method: clinical testing. Allele origin: germline.

GeneDx
Classification: Benign. Last evaluated: 2015-03-03. Review status: criteria provided, single submitter. Criteria: GeneDx Variant Classification Process June 2021. Collection method: clinical testing. Allele origin: germline. Affected: yes.

Breakthrough Genomics
Classification: Benign. Review status: criteria provided, single submitter. Criteria: ACMG Guidelines, 2015. Collection method: not provided. Allele origin: germline. Inheritance: Autosomal recessive inheritance. Affected: yes.

PreventionGenetics, part of Exact Sciences
Classification: Benign. Review status: criteria provided, single submitter. Criteria: ACMG Guidelines, 2015. Collection method: clinical testing. Allele origin: germline.

Genetic Services Laboratory, University of Chicago
Classification: Likely benign for AllHighlyPenetrant. Review status: no assertion criteria provided. Collection method: clinical testing. Allele origin: germline. Inheritance: Autosomal recessive inheritance. Not counted in ClinVar's aggregate classification.
Comment: Likely benign based on allele frequency in 1000 Genomes Project or ESP global frequency and its presence in a patient with a rare or unrelated disease phenotype. NOT Sanger confirmed.